The following is an entry in ClinVar:

ClinVar aggregate classification (germline): Uncertain significance (1 of 4 stars; one submission).

Conditions:
Cardiovascular phenotype. Identifiers: MedGen CN230736.

Submission:

Ambry Genetics
Classification: Uncertain significance for Cardiovascular phenotype. Last evaluated: 2023-12-18. Review status: criteria provided, single submitter. Criteria: Ambry Variant Classification Scheme 2023. Collection method: clinical testing. Allele origin: germline.
Comment: The p.S27N variant (also known as c.80G>A), located in coding exon 1 of the KCNQ1 gene, results from a G to A substitution at nucleotide position 80. The serine at codon 27 is replaced by asparagine, an amino acid with highly similar properties. This amino acid position is well conserved in available vertebrate species. In addition, the in silico prediction for this alteration is inconclusive. Since supporting evidence is limited at this time, the clinical significance of this alteration remains unclear.

NM_000218.3(KCNQ1):c.80G>A (p.Ser27Asn)

Gene: KCNQ1 (potassium voltage-gated channel subfamily Q member 1; plus strand). Cytogenetic location: 11p15.5.
Variant type: single nucleotide variant.
Coding change: c.80G>A on transcript NM_000218.3 (MANE Select); coding-DNA position 80, G replaced by A.
Protein change: p.Ser27Asn; replaces serine 27 with asparagine.
Molecular consequence: missense variant. On other transcripts: 5 prime UTR variant (1).
Genome position (GRCh38, 1-based): chr11:2,445,178, G>A. VCF-style: chr11-2445178-G-A. GRCh37 (hg19) VCF-style: chr11-2466408-G-A.
Other names: c.80G>A, p.Ser27Asn (NM_001406836.1, NM_001406838.1); c.-283G>A (NM_001406837.1); short protein forms S27N.
Identifiers: ClinVar variation 3230640 (VCV003230640.1), dbSNP rs2496740990, ClinGen allele CA379116088.